The following is an entry in ClinVar:

ClinVar aggregate classification (germline): Uncertain significance (1 of 4 stars; one submission).

Submission:

Women's Health and Genetics/Laboratory Corporation of America, LabCorp
Classification: Uncertain significance. Last evaluated: 2026-04-29. Review status: criteria provided, single submitter. Criteria: LabCorp Variant Classification Summary - May 2015. Collection method: clinical testing. Allele origin: germline.
Comment: Variant summary: The variant involves the duplication of exons 2-6 in the DSE gene. A presumed nomenclature of c.(-54+1_-53-1)_(*7517_?)dup has been designated for the purposes of this classification. This duplication includes the entire coding sequence of the gene. As exact breakpoints are unknown, it may extend beyond the annotated region of the gene, to include other flanking genes. The variant was absent in 21694 control chromosomes. The available data on variant occurrences in the general population are insufficient to allow any conclusion about variant significance. To our knowledge, no occurrence of c.(-54+1_-53-1)_(*7517_?)dup in individuals affected with DSE-related conditions and no experimental evidence demonstrating its impact on protein function have been reported. No submitters have cited clinical-significance assessments for this variant to ClinVar. Based on the evidence outlined above, the variant was classified as uncertain significance.

NC_000006.11:g.(116692285_116720360)_(116766025_?)dup

Gene: DSE (dermatan sulfate epimerase; plus strand). Cytogenetic location: 6q22.1.
Variant type: Duplication.
Identifiers: ClinVar variation 4849129 (VCV004849129.1).